The following is an entry in ClinVar:

ClinVar aggregate classification (germline): Uncertain significance. Review status: criteria provided, multiple submitters, no conflicts (2 of 4 stars). 2 submissions from 2 submitters: Uncertain significance (2). Last evaluated 2025-06-07.

Conditions:
Inborn genetic diseases. Identifiers: MedGen C0950123, MeSH D030342.

Allele frequency attached by ClinVar (database versions not stated): ExAC 0.00002; TOPMed 0.00005; gnomAD 0.00008; gnomAD exomes 0.00007.
gnomAD v4.1: 109 of 1,613,988 alleles (0.0068%); highest among the groups gnomAD compares: Non-Finnish European, 0.0092%; no homozygotes.

Submissions (2):

Ambry Genetics
Classification: Uncertain significance for Inborn genetic diseases. Last evaluated: 2025-06-07. Review status: criteria provided, single submitter. Criteria: Ambry Variant Classification Scheme 2023. Collection method: clinical testing. Allele origin: germline.

Labcorp Genetics (formerly Invitae), Labcorp
Classification: Uncertain significance. Last evaluated: 2022-05-09. Review status: criteria provided, single submitter. Criteria: Invitae Variant Classification Sherloc (09022015). Collection method: clinical testing. Allele origin: germline.
Comment: This sequence change replaces glutamic acid, which is acidic and polar, with glutamine, which is neutral and polar, at codon 1077 of the SPEG protein (p.Glu1077Gln). This variant is present in population databases (rs766143373, gnomAD 0.008%). This variant has not been reported in the literature in individuals affected with SPEG-related conditions. Algorithms developed to predict the effect of missense changes on protein structure and function are either unavailable or do not agree on the potential impact of this missense change (SIFT: "Deleterious"; PolyPhen-2: "Probably Damaging"; Align-GVGD: "Class C0"). In summary, the available evidence is currently insufficient to determine the role of this variant in disease. Therefore, it has been classified as a Variant of Uncertain Significance.

NM_005876.5(SPEG):c.3229G>C (p.Glu1077Gln)

Gene: SPEG (striated muscle enriched protein kinase; plus strand). Cytogenetic location: 2q35.
Variant type: single nucleotide variant.
Coding change: c.3229G>C on transcript NM_005876.5 (MANE Select); coding-DNA position 3229, G replaced by C.
Protein change: p.Glu1077Gln; replaces glutamic acid 1077 with glutamine.
Molecular consequence: missense variant.
Genome position (GRCh38, 1-based): chr2:219,468,664, G>C. VCF-style: chr2-219468664-G-C. GRCh37 (hg19) VCF-style: chr2-220333386-G-C.
Other names: c.3229G>C (NM_005876.4); short protein forms E1077Q.
Identifiers: ClinVar variation 1928973 (VCV001928973.3), dbSNP rs766143373, ClinGen allele CA2126099.